The following is an entry in ClinVar:

ClinVar aggregate classification (germline): Likely benign (1 of 4 stars; one submission).

Allele frequency attached by ClinVar (database versions not stated): gnomAD exomes below 0.00001.
gnomAD v4.1: 2 of 1,613,232 alleles (0.00012%); highest among the groups gnomAD compares: Non-Finnish European, 0.00017%; no homozygotes.

Submission:

CeGaT Center for Human Genetics Tuebingen
Classification: Likely benign. Last evaluated: 2023-04-01. Review status: criteria provided, single submitter. Criteria: CeGaT Center For Human Genetics Tuebingen Variant Classification Criteria Version 2. Collection method: clinical testing. Allele origin: germline. Affected: yes. Observed: 1 variant allele.
Comment: COL11A1: PM2:Supporting, BP4, BP7

NM_001854.4(COL11A1):c.501A>G (p.Val167=)

Gene: COL11A1 (collagen type XI alpha 1 chain; minus strand). Cytogenetic location: 1p21.1.
Variant type: single nucleotide variant.
Coding change: c.501A>G on transcript NM_001854.4 (MANE Select); coding-DNA position 501, A replaced by G.
Protein change: p.Val167=; no amino-acid change (valine 167 retained).
Molecular consequence: synonymous variant. On other transcripts: non-coding transcript variant (1).
Genome position (GRCh38, 1-based): chr1:103,074,768, T>C on the plus strand (A>G on the coding strand, the complement: COL11A1 is on the minus strand). VCF-style: chr1-103074768-T-C. GRCh37 (hg19) VCF-style: chr1-103540324-T-C.
Other names: c.501A>G, p.Val167= (NM_001168249.1, NM_001190709.2, NM_080629.3 and 1 more transcripts).
Identifiers: ClinVar variation 2638956 (VCV002638956.24), dbSNP rs2102282052, ClinGen allele CA419206748.